The following is an entry in ClinVar:

ClinVar aggregate classification (germline): Uncertain significance. Review status: criteria provided, multiple submitters, no conflicts (2 of 4 stars). 2 submissions from 2 submitters: Uncertain significance (2). Last evaluated 2025-05-14.

Conditions:
Inborn genetic diseases. Identifiers: MedGen C0950123, MeSH D030342.
Brachyolmia-amelogenesis imperfecta syndrome. Also called: Tooth agenesis, selective, 6; Dental anomalies and short stature; PLATYSPONDYLY WITH AMELOGENESIS IMPERFECTA. Identifiers: Orphanet 2899, MedGen C1832594, MONDO:0011018, OMIM 601216. Disease mechanism: loss of function.

gnomAD v4.1: 1 of 1,408,370 alleles (0.000071%); no homozygotes.

Submissions (2):

Labcorp Genetics (formerly Invitae), Labcorp
Classification: Uncertain significance for Brachyolmia-amelogenesis imperfecta syndrome. Last evaluated: 2025-05-14. Review status: criteria provided, single submitter. Criteria: Invitae Variant Classification Sherloc (09022015). Collection method: clinical testing. Allele origin: germline.
Comment: This sequence change replaces glycine, which is neutral and non-polar, with tryptophan, which is neutral and slightly polar, at codon 44 of the LTBP3 protein (p.Gly44Trp). This variant is not present in population databases (gnomAD no frequency). This variant has not been reported in the literature in individuals affected with LTBP3-related conditions. ClinVar contains an entry for this variant (Variation ID: 1769635). Experimental studies and prediction algorithms are not available or were not evaluated, and the functional significance of this variant is currently unknown. In summary, the available evidence is currently insufficient to determine the role of this variant in disease. Therefore, it has been classified as a Variant of Uncertain Significance.

Ambry Genetics
Classification: Uncertain significance for Inborn genetic diseases. Last evaluated: 2024-12-07. Review status: criteria provided, single submitter. Criteria: Ambry Variant Classification Scheme 2023. Collection method: clinical testing. Allele origin: germline.

NM_001130144.3(LTBP3):c.130G>T (p.Gly44Trp)

Gene: LTBP3 (latent transforming growth factor beta binding protein 3; minus strand). Cytogenetic location: 11q13.1.
Variant type: single nucleotide variant.
Coding change: c.130G>T on transcript NM_001130144.3 (MANE Select); coding-DNA position 130, G replaced by T.
Protein change: p.Gly44Trp; replaces glycine 44 with tryptophan.
Molecular consequence: missense variant. On other transcripts: 5 prime UTR variant (1).
Genome position (GRCh38, 1-based): chr11:65,557,830, C>A on the plus strand (G>T on the coding strand, the complement: LTBP3 is on the minus strand). VCF-style: chr11-65557830-C-A. GRCh37 (hg19) VCF-style: chr11-65325301-C-A.
Other names: c.-218G>T (NM_001164266.1); c.130G>T, p.Gly44Trp (NM_021070.4); short protein forms G44W.
Identifiers: ClinVar variation 1769635 (VCV001769635.4), dbSNP rs1322850920, ClinGen allele CA381278513.
Genomic context (GRCh38, chr11:65,557,830, plus strand): 5'-CCTTGAAGCGCTCGCGGGCCAGCGCCCCGCCCCCGCCTGCGCCCCGCTCGCCGGCCGGCC[C>A]CCCCTCGACCCTGCCGCCCAGGCCCAGCAGCAGCAGCAGCAGCAGCAGCAGCAGCGCCAG-3'
Protein context (NP_001123616.1, residues 34-54): LLGLGGRVEG[Gly44Trp]PAGERGAGGG